The following is an entry in ClinVar:

NM_004006.3(DMD):c.7631_7632del (p.Gln2544fs)

Gene: DMD (dystrophin; minus strand). Cytogenetic location: Xp21.1.
Variant type: Deletion.
Coding change: c.7631_7632del on transcript NM_004006.3 (MANE Select); coding-DNA positions 7631 to 7632, 2 bases deleted (AA; older notation c.7631_7632delAA).
Protein change: p.Gln2544fs; shifts the reading frame from glutamine 2544.
Molecular consequence: frameshift variant.
Genome position (GRCh38, 1-based): chrX:31,729,659-31,729,660, TT deleted on the plus strand (AA on the coding strand, the reverse complement: DMD is on the minus strand). VCF-style (leftmost placement, unchanged base first): chrX-31729658-CTT-C. GRCh37 (hg19) VCF-style: chrX-31747775-CTT-C.
Other names: c.7607_7608del, p.Gln2536fs (NM_000109.4); c.7619_7620del, p.Gln2540fs (NM_004009.3); c.7262_7263del, p.Gln2421fs (NM_004010.3); c.3608_3609del, p.Gln1203fs (NM_004011.4); c.3599_3600del, p.Gln1200fs (NM_004012.4); c.251_252del, p.Gln84fs (NM_004013.3, NM_004020.4, NM_004021.3 and 2 more transcripts); short protein forms Q2540fs, Q1200fs, Q1203fs, Q2421fs, Q84fs, Q2536fs, Q2544fs.
Identifiers: ClinVar variation 4718318 (VCV004718318.1).

ClinVar aggregate classification (germline): Pathogenic (1 of 4 stars; one submission).

Conditions:
Duchenne muscular dystrophy (DMD). Also called: MUSCULAR DYSTROPHY, PSEUDOHYPERTROPHIC PROGRESSIVE, DUCHENNE TYPE; Duchenne Muscular Dystrophy (DMD). Identifiers: Orphanet 98896, MedGen C0013264, MONDO:0010679, OMIM 310200.

Submission:

Labcorp Genetics (formerly Invitae), Labcorp
Classification: Pathogenic for Duchenne muscular dystrophy. Last evaluated: 2025-04-24. Review status: criteria provided, single submitter. Criteria: Invitae Variant Classification Sherloc (09022015). Collection method: clinical testing. Allele origin: germline.
Comment: This sequence change creates a premature translational stop signal (p.Gln2544Argfs*3) in the DMD gene. It is expected to result in an absent or disrupted protein product. Loss-of-function variants in DMD are known to be pathogenic (PMID: 16770791, 25007885). This variant is not present in population databases (gnomAD no frequency). This variant has not been reported in the literature in individuals affected with DMD-related conditions. For these reasons, this variant has been classified as Pathogenic.

Literature cited by the submitters: PubMed 16770791; PubMed 25007885.